The following is an entry in ClinVar:

NM_021101.5(CLDN1):c.183G>A (p.Gln61=)

Genes: CLDN1 (claudin 1; minus strand), CLDN16 (claudin 16; plus strand). Cytogenetic location: 3q28.
Variant type: single nucleotide variant.
Coding change: c.183G>A on transcript NM_021101.5 (MANE Select); coding-DNA position 183, G replaced by A.
Protein change: p.Gln61=; no amino-acid change (glutamine 61 retained).
Molecular consequence: synonymous variant. On other transcripts: intron variant (2).
Genome position (GRCh38, 1-based): chr3:190,322,024, C>T on the plus strand (G>A on the coding strand, the complement: CLDN1 is on the minus strand). VCF-style: chr3-190322024-C-T. GRCh37 (hg19) VCF-style: chr3-190039813-C-T.
Other names: c.-279+6965C>T (NM_001378492.1); c.-279+31433C>T (NM_001378493.1).
Identifiers: ClinVar variation 4980399 (VCV004980399.1).

ClinVar aggregate classification (germline): Likely benign (1 of 4 stars; one submission).

Conditions:
CLDN1-related disorder. Also called: CLDN1-related condition.

gnomAD v4.1: 22 of 1,614,128 alleles (0.0014%); highest among the groups gnomAD compares: African/African-American, 0.024%; no homozygotes.

Submission:

PreventionGenetics, part of Exact Sciences
Classification: Likely benign for CLDN1-related condition. Last evaluated: 2024-12-18. Review status: criteria provided, single submitter. Criteria: ACMG Guidelines, 2015. Collection method: clinical testing. Allele origin: germline.
Comment: This variant is classified as likely benign based on ACMG/AMP sequence variant interpretation guidelines (Richards et al. 2015 PMID: 25741868, with internal and published modifications).